The following is an entry in ClinVar:

ClinVar aggregate classification (germline): Uncertain significance (1 of 4 stars; one submission).

Submission:

Labcorp Genetics (formerly Invitae), Labcorp
Classification: Uncertain significance. Last evaluated: 2024-04-08. Review status: criteria provided, single submitter. Criteria: Invitae Variant Classification Sherloc (09022015). Collection method: clinical testing. Allele origin: germline.
Comment: This sequence change replaces isoleucine, which is neutral and non-polar, with asparagine, which is neutral and polar, at codon 379 of the SMOC1 protein (p.Ile379Asn). This variant is not present in population databases (gnomAD no frequency). This variant has not been reported in the literature in individuals affected with SMOC1-related conditions. Advanced modeling of protein sequence and biophysical properties (such as structural, functional, and spatial information, amino acid conservation, physicochemical variation, residue mobility, and thermodynamic stability) performed at Invitae indicates that this missense variant is not expected to disrupt SMOC1 protein function with a negative predictive value of 80%. In summary, the available evidence is currently insufficient to determine the role of this variant in disease. Therefore, it has been classified as a Variant of Uncertain Significance.

NM_001034852.3(SMOC1):c.1136T>A (p.Ile379Asn)

Gene: SMOC1 (SPARC related modular calcium binding 1; plus strand). Cytogenetic location: 14q24.2.
Variant type: single nucleotide variant.
Coding change: c.1136T>A on transcript NM_001034852.3 (MANE Select); coding-DNA position 1136, T replaced by A.
Protein change: p.Ile379Asn; replaces isoleucine 379 with asparagine.
Molecular consequence: missense variant.
Genome position (GRCh38, 1-based): chr14:70,023,292, T>A. VCF-style: chr14-70023292-T-A. GRCh37 (hg19) VCF-style: chr14-70490009-T-A.
Other names: c.1169T>A, p.Ile390Asn (NM_001425244.1, NM_001425245.1); c.1136T>A, p.Ile379Asn (NM_022137.6); short protein forms I390N, I379N.
Identifiers: ClinVar variation 3649223 (VCV003649223.2).